The following is an entry in ClinVar:

ClinVar aggregate classification (germline): Uncertain significance (1 of 4 stars; one submission).

Conditions:
Primary ciliary dyskinesia 28. Also called: CILIARY DYSKINESIA, PRIMARY, 28, WITH OR WITHOUT SITUS INVERSUS. Identifiers: Orphanet 244, MedGen C3809706, MONDO:0014216, OMIM 615505.

Allele frequency attached by ClinVar (database versions not stated): gnomAD exomes below 0.00001; TOPMed 0.00001; gnomAD 0.00002.
gnomAD v4.1: 7 of 1,606,190 alleles (0.00044%); highest among the groups gnomAD compares: African/African-American, 0.0094%; no homozygotes.

Submission:

Labcorp Genetics (formerly Invitae), Labcorp
Classification: Uncertain significance for Primary ciliary dyskinesia 28. Last evaluated: 2022-06-04. Review status: criteria provided, single submitter. Criteria: Invitae Variant Classification Sherloc (09022015). Collection method: clinical testing. Allele origin: germline.
Comment: Algorithms developed to predict the effect of missense changes on protein structure and function (SIFT, PolyPhen-2, Align-GVGD) all suggest that this variant is likely to be disruptive. ClinVar contains an entry for this variant (Variation ID: 938449). This variant has not been reported in the literature in individuals affected with SPAG1-related conditions. This variant is present in population databases (no rsID available, gnomAD 0.007%). This sequence change replaces tyrosine, which is neutral and polar, with histidine, which is basic and polar, at codon 646 of the SPAG1 protein (p.Tyr646His). In summary, the available evidence is currently insufficient to determine the role of this variant in disease. Therefore, it has been classified as a Variant of Uncertain Significance.

NM_003114.5(SPAG1):c.1936T>C (p.Tyr646His)

Gene: SPAG1 (sperm associated antigen 1; plus strand). Cytogenetic location: 8q22.2.
Variant type: single nucleotide variant.
Coding change: c.1936T>C on transcript NM_003114.5 (MANE Select); coding-DNA position 1936, T replaced by C.
Protein change: p.Tyr646His; replaces tyrosine 646 with histidine.
Molecular consequence: missense variant.
Genome position (GRCh38, 1-based): chr8:100,231,236, T>C. VCF-style: chr8-100231236-T-C. GRCh37 (hg19) VCF-style: chr8-101243464-T-C.
Other names: c.1936T>C, p.Tyr646His (NM_001374321.1, NM_172218.3); short protein forms Y646H.
Identifiers: ClinVar variation 938449 (VCV000938449.9), dbSNP rs972610161, ClinGen allele CA182390576.